The following is an entry in ClinVar:

ClinVar aggregate classification (germline): Uncertain significance (1 of 4 stars; one submission).

Conditions:
Epileptic encephalopathy. Identifiers: MedGen C0543888, HP:0200134.

Submission:

Labcorp Genetics (formerly Invitae), Labcorp
Classification: Uncertain significance for Epileptic encephalopathy. Last evaluated: 2025-09-24. Review status: criteria provided, single submitter. Criteria: Invitae Variant Classification Sherloc (09022015). Collection method: clinical testing. Allele origin: germline.
Comment: This sequence change replaces aspartic acid, which is acidic and polar, with alanine, which is neutral and non-polar, at codon 223 of the GABBR2 protein (p.Asp223Ala). This variant is not present in population databases (gnomAD no frequency). This variant has not been reported in the literature in individuals affected with GABBR2-related conditions. Invitae Evidence Modeling of protein sequence and biophysical properties (such as structural, functional, and spatial information, amino acid conservation, physicochemical variation, residue mobility, and thermodynamic stability) has been performed for this missense variant. However, the output from this modeling did not meet the statistical confidence thresholds required to predict the impact of this variant on GABBR2 protein function. In summary, the available evidence is currently insufficient to determine the role of this variant in disease. Therefore, it has been classified as a Variant of Uncertain Significance.

NM_005458.8(GABBR2):c.668A>C (p.Asp223Ala)

Genes: GABBR2 (gamma-aminobutyric acid type B receptor subunit 2; minus strand), LOC126860700 (CDK7 strongly-dependent group 2 enhancer GRCh37_chr9:101257622-101258821; plus strand). Cytogenetic location: 9q22.33.
Variant type: single nucleotide variant.
Coding change: c.668A>C on transcript NM_005458.8 (MANE Select); coding-DNA position 668, A replaced by C.
Protein change: p.Asp223Ala; replaces aspartic acid 223 with alanine.
Molecular consequence: missense variant.
Genome position (GRCh38, 1-based): chr9:98,496,477, T>G on the plus strand (A>C on the coding strand, the complement: GABBR2 is on the minus strand). VCF-style: chr9-98496477-T-G. GRCh37 (hg19) VCF-style: chr9-101258759-T-G.
Other names: short protein forms D223A.
Identifiers: ClinVar variation 4811567 (VCV004811567.1).